The following is an entry in ClinVar:

ClinVar aggregate classification (germline): Uncertain significance (1 of 4 stars; one submission).

gnomAD v4.1: 1 of 1,614,196 alleles (0.000062%); highest among the groups gnomAD compares: Non-Finnish European, 0.000085%; no homozygotes.

Submission:

Ambry Genetics
Classification: Uncertain significance. Last evaluated: 2025-03-20. Review status: criteria provided, single submitter. Criteria: Ambry Variant Classification Scheme 2023. Collection method: clinical testing. Allele origin: germline.
Comment: The p.I1406V variant (also known as c.4216A>G), located in coding exon 11 of the MLH3 gene, results from an A to G substitution at nucleotide position 4216. The isoleucine at codon 1406 is replaced by valine, an amino acid with highly similar properties. This amino acid position is conserved. In addition, this alteration is predicted to be tolerated by in silico analysis. Based on the available evidence, the clinical significance of this variant remains unclear.

NM_001040108.2(MLH3):c.4216A>G (p.Ile1406Val)

Gene: MLH3 (mutL homolog 3; minus strand). Cytogenetic location: 14q24.3.
Variant type: single nucleotide variant.
Coding change: c.4216A>G on transcript NM_001040108.2 (MANE Select); coding-DNA position 4216, A replaced by G.
Protein change: p.Ile1406Val; replaces isoleucine 1406 with valine.
Molecular consequence: missense variant.
Genome position (GRCh38, 1-based): chr14:75,018,855, T>C on the plus strand (A>G on the coding strand, the complement: MLH3 is on the minus strand). VCF-style: chr14-75018855-T-C. GRCh37 (hg19) VCF-style: chr14-75485558-T-C.
Other names: c.4144A>G, p.Ile1382Val (NM_014381.3); short protein forms I1406V, I1382V.
Identifiers: ClinVar variation 4055437 (VCV004055437.1).